The following is an entry in ClinVar:

NM_004329.3(BMPR1A):c.675+10A>T

Gene: BMPR1A (bone morphogenetic protein receptor type 1A; plus strand). Cytogenetic location: 10q23.2.
Variant type: single nucleotide variant.
Coding change: c.675+10A>T on transcript NM_004329.3 (MANE Select); 10 bases into the intron after coding-DNA position 675, A replaced by T.
Molecular consequence: intron variant.
Genome position (GRCh38, 1-based): chr10:86,912,394, A>T. VCF-style: chr10-86912394-A-T. GRCh37 (hg19) VCF-style: chr10-88672151-A-T.
Other names: c.675+10A>T (NM_001406562.1, NM_001406568.1, NM_001406567.1 and 20 more transcripts); c.591+10A>T (NM_001406584.1, NM_001406588.1, NM_001406587.1 and 2 more transcripts); c.723+10A>T (NM_001406560.1); c.750+10A>T (NM_001406559.1); c.334-4740A>T (NM_001406589.1).
Identifiers: ClinVar variation 3378891 (VCV003378891.1).
Genomic context (GRCh38, chr10:86,912,394, plus strand): 5'-CTTATTGACCAGTCACAAAGTTCTGGTAGTGGGTCTGGACTACCTTTATTGGTAAGTTAA[A>T]CGTTCCTATAGACATGAATGGTGTGTTGATTTAGAATGTGTCCTCATGATGGTGGACAGT-3'

ClinVar aggregate classification (germline): Likely benign (1 of 4 stars; one submission).

Conditions:
Juvenile polyposis syndrome (JPS). Identifiers: Orphanet 2929, MedGen C0345893, MONDO:0017380, OMIM 174900.

Submission:

Myriad Genetics, Inc.
Classification: Likely benign for Juvenile polyposis syndrome. Last evaluated: 2024-08-02. Review status: criteria provided, single submitter. Criteria: Myriad Autosomal Dominant, Autosomal Recessive and X-Linked Classification Criteria (2023). Collection method: clinical testing. Allele origin: unknown.
Comment: This variant is considered likely benign. This variant is intronic and is not expected to impact mRNA splicing.